The following is an entry in ClinVar:

ClinVar aggregate classification (germline): Uncertain significance. Review status: criteria provided, multiple submitters, no conflicts (2 of 4 stars). 4 submissions from 4 submitters: Uncertain significance (3). 1 of the submissions does not count toward it. Last evaluated 2022-08-09.

Conditions:
CNTNAP2-related disorder. Also called: CNTNAP2-related condition.
Cortical dysplasia-focal epilepsy syndrome (PTHSL1). Also called: Pitt-Hopkins-like syndrome 1. Identifiers: Orphanet 163681, Orphanet 221150, MedGen C2750246, MONDO:0012400, OMIM 610042.
Inborn genetic diseases. Identifiers: MedGen C0950123, MeSH D030342.

Allele frequency attached by ClinVar (database versions not stated): TOPMed 0.00002; ESP Exome Variant Server 0.00008.
gnomAD v4.1: 75 of 1,613,560 alleles (0.0046%); highest among the groups gnomAD compares: Non-Finnish European, 0.0057%; no homozygotes.

Submissions (4):

Labcorp Genetics (formerly Invitae), Labcorp
Classification: Uncertain significance for Cortical dysplasia-focal epilepsy syndrome. Last evaluated: 2022-08-09. Review status: criteria provided, single submitter. Criteria: Invitae Variant Classification Sherloc (09022015). Collection method: clinical testing. Allele origin: germline.
Comment: This sequence change replaces arginine, which is basic and polar, with leucine, which is neutral and non-polar, at codon 915 of the CNTNAP2 protein (p.Arg915Leu). This variant is present in population databases (rs369919189, gnomAD 0.01%). This variant has not been reported in the literature in individuals affected with CNTNAP2-related conditions. ClinVar contains an entry for this variant (Variation ID: 420606). Algorithms developed to predict the effect of missense changes on protein structure and function are either unavailable or do not agree on the potential impact of this missense change (SIFT: "Deleterious"; PolyPhen-2: "Benign"; Align-GVGD: "Class C35"). In summary, the available evidence is currently insufficient to determine the role of this variant in disease. Therefore, it has been classified as a Variant of Uncertain Significance.

GeneDx
Classification: Uncertain significance. Last evaluated: 2021-06-04. Review status: criteria provided, single submitter. Criteria: GeneDx Variant Classification Process June 2021. Collection method: clinical testing. Allele origin: germline. Affected: yes.
Comment: Not observed at significant frequency in large population cohorts (Lek et al., 2016); In silico analysis supports that this missense variant has a deleterious effect on protein structure/function; Has not been previously published as pathogenic or benign to our knowledge; This variant is associated with the following publications: (PMID: 27535533)

Ambry Genetics
Classification: Uncertain significance for Inborn genetic diseases. Last evaluated: 2018-06-08. Review status: criteria provided, single submitter. Criteria: Ambry Variant Classification Scheme 2023. Collection method: clinical testing. Allele origin: germline.
Comment: The p.R915L variant (also known as c.2744G>T), located in coding exon 17 of the CNTNAP2 gene, results from a G to T substitution at nucleotide position 2744. The arginine at codon 915 is replaced by leucine, an amino acid with dissimilar properties. This amino acid position is highly conserved in available vertebrate species. In addition, this alteration is predicted to be deleterious by in silico analysis. Since supporting evidence is limited at this time, the clinical significance of this alteration remains unclear.

PreventionGenetics, part of Exact Sciences
Classification: Uncertain significance for CNTNAP2-related condition. Last evaluated: 2024-06-12. Review status: no assertion criteria provided. Collection method: clinical testing. Allele origin: germline. Not counted in ClinVar's aggregate classification.
Comment: The CNTNAP2 c.2744G>T variant is predicted to result in the amino acid substitution p.Arg915Leu. To our knowledge, this variant has not been reported in individuals with CNTNAP2-related disease in the literature. This variant is reported in 0.012% of alleles in individuals of European (Non-Finnish) descent in gnomAD. At this time, the clinical significance of this variant is uncertain due to the absence of conclusive functional and genetic evidence.

NM_014141.6(CNTNAP2):c.2744G>T (p.Arg915Leu)

Gene: CNTNAP2 (contactin associated protein 2; plus strand). Cytogenetic location: 7q35.
Variant type: single nucleotide variant.
Coding change: c.2744G>T on transcript NM_014141.6 (MANE Select); coding-DNA position 2744, G replaced by T.
Protein change: p.Arg915Leu; replaces arginine 915 with leucine.
Molecular consequence: missense variant.
Genome position (GRCh38, 1-based): chr7:148,147,680, G>T. VCF-style: chr7-148147680-G-T. GRCh37 (hg19) VCF-style: chr7-147844772-G-T.
Other names: short protein forms R915L.
Identifiers: ClinVar variation 420606 (VCV000420606.10), dbSNP rs369919189, ClinGen allele CA4546468.